The following is an entry in ClinVar:

ClinVar aggregate classification (germline): Likely pathogenic (1 of 4 stars; one submission).

Submission:

CeGaT Center for Human Genetics Tuebingen
Classification: Likely pathogenic. Last evaluated: 2022-11-01. Review status: criteria provided, single submitter. Criteria: CeGaT Center For Human Genetics Tuebingen Variant Classification Criteria Version 2. Collection method: clinical testing. Allele origin: germline. Affected: yes. Observed: 1 variant allele.
Comment: MBD5: PVS1:Strong, PM2

NM_001378120.1(MBD5):c.754del (p.Arg252fs)

Gene: MBD5 (methyl-CpG binding domain protein 5; plus strand). Cytogenetic location: 2q23.1.
Variant type: Deletion.
Coding change: c.754del on transcript NM_001378120.1 (MANE Select); coding-DNA position 754, one base deleted (A; older notation c.754delA).
Protein change: p.Arg252fs; shifts the reading frame from arginine 252.
Molecular consequence: frameshift variant.
Genome position (GRCh38, 1-based): chr2:148,468,697, A deleted; the last of 2 consecutive A bases (chr2:148,468,696-148,468,697); deleting either gives the same sequence. VCF-style (leftmost placement, unchanged base first): chr2-148468695-CA-C. GRCh37 (hg19) VCF-style: chr2-149226264-CA-C.
Other names: c.754del, p.Arg252fs (NM_018328.5); short protein forms R252fs.
Identifiers: ClinVar variation 1879485 (VCV001879485.29), dbSNP rs2469857480, ClinGen allele CA2580063863.